The following is an entry in ClinVar:

ClinVar aggregate classification (germline): Uncertain significance (1 of 4 stars; one submission).

Submission:

GeneDx
Classification: Uncertain significance. Last evaluated: 2024-04-07. Review status: criteria provided, single submitter. Criteria: GeneDx Variant Classification Process June 2021. Collection method: clinical testing. Allele origin: germline. Affected: yes.
Comment: Not observed at significant frequency in large population cohorts (gnomAD); In silico analysis supports that this missense variant has a deleterious effect on protein structure/function; Has not been previously published as pathogenic or benign to our knowledge

NM_020937.4(FANCM):c.715T>G (p.Phe239Val)

Gene: FANCM (FA complementation group M; plus strand). Cytogenetic location: 14q21.2.
Variant type: single nucleotide variant.
Coding change: c.715T>G on transcript NM_020937.4 (MANE Select); coding-DNA position 715, T replaced by G.
Protein change: p.Phe239Val; replaces phenylalanine 239 with valine.
Molecular consequence: missense variant. On other transcripts: intron variant (1).
Genome position (GRCh38, 1-based): chr14:45,140,665, T>G. VCF-style: chr14-45140665-T-G. GRCh37 (hg19) VCF-style: chr14-45609868-T-G.
Other names: c.715T>G, p.Phe239Val (NM_001308134.2); c.681+3424T>G (NM_001308133.2); short protein forms F239V.
Identifiers: ClinVar variation 3372264 (VCV003372264.1).